The following is an entry in ClinVar:

ClinVar aggregate classification (germline): Likely benign (1 of 4 stars; one submission).

Conditions:
ADAM22-related disorder. Also called: ADAM22-related condition.

gnomAD v4.1: 7 of 1,581,888 alleles (0.00044%); highest among the groups gnomAD compares: African/African-American, 0.0082%; no homozygotes.

Submission:

PreventionGenetics, part of Exact Sciences
Classification: Likely benign for ADAM22-related condition. Last evaluated: 2025-09-18. Review status: criteria provided, single submitter. Criteria: ACMG Guidelines, 2015. Collection method: clinical testing. Allele origin: germline.
Comment: This variant is classified as likely benign based on ACMG/AMP sequence variant interpretation guidelines (Richards et al. 2015 PMID: 25741868, with internal and published modifications).

NM_001324418.2(ADAM22):c.2077-9G>T

Gene: ADAM22 (ADAM metallopeptidase domain 22; plus strand). Cytogenetic location: 7q21.12.
Variant type: single nucleotide variant.
Coding change: c.2077-9G>T on transcript NM_001324418.2 (MANE Select); 9 bases into the intron before coding-DNA position 2077, G replaced by T.
Molecular consequence: intron variant.
Genome position (GRCh38, 1-based): chr7:88,165,823, G>T. VCF-style: chr7-88165823-G-T. GRCh37 (hg19) VCF-style: chr7-87795138-G-T.
Other names: c.2128-9G>T (NM_001391975.1, NM_001391980.1); c.2053-9G>T (NM_001391982.1); c.2077-9G>T (NM_001324420.2, NM_001391976.1, NM_021723.5 and 6 more transcripts); c.2074-9G>T (NM_001324419.2, NM_001391979.1, NM_001391978.1 and 2 more transcripts).
Identifiers: ClinVar variation 4987376 (VCV004987376.1).